The following is an entry in ClinVar:

NM_004333.6(BRAF):c.82G>T (p.Gly28Cys)

Gene: BRAF (B-Raf proto-oncogene, serine/threonine kinase; minus strand). Cytogenetic location: 7q34.
Variant type: single nucleotide variant.
Coding change: c.82G>T on transcript NM_004333.6 (MANE Select); coding-DNA position 82, G replaced by T.
Protein change: p.Gly28Cys; replaces glycine 28 with cysteine.
Molecular consequence: missense variant.
Genome position (GRCh38, 1-based): chr7:140,924,622, C>A on the plus strand (G>T on the coding strand, the complement: BRAF is on the minus strand). VCF-style: chr7-140924622-C-A. GRCh37 (hg19) VCF-style: chr7-140624422-C-A.
Other names: c.82G>T, p.Gly28Cys (NM_001354609.2, NM_001374244.1, NM_001374258.1 and 7 more transcripts); short protein forms G28C.
Identifiers: ClinVar variation 1495742 (VCV001495742.8), dbSNP rs1437317949, ClinGen allele CA369590135.

ClinVar aggregate classification (germline): Uncertain significance (1 of 4 stars; one submission).

Conditions:
RASopathy. Also called: Noonan spectrum disorder; rasopathies. Identifiers: Orphanet 536391, MedGen C5555857, MONDO:0021060.

Submission:

Labcorp Genetics (formerly Invitae), Labcorp
Classification: Uncertain significance for RASopathy. Last evaluated: 2022-07-19. Review status: criteria provided, single submitter. Criteria: Invitae Variant Classification Sherloc (09022015). Collection method: clinical testing. Allele origin: germline.
Comment: In summary, the available evidence is currently insufficient to determine the role of this variant in disease. Therefore, it has been classified as a Variant of Uncertain Significance. Advanced modeling of protein sequence and biophysical properties (such as structural, functional, and spatial information, amino acid conservation, physicochemical variation, residue mobility, and thermodynamic stability) performed at Invitae indicates that this missense variant is not expected to disrupt BRAF protein function. ClinVar contains an entry for this variant (Variation ID: 1495742). This variant has not been reported in the literature in individuals affected with BRAF-related conditions. This variant is not present in population databases (gnomAD no frequency). This sequence change replaces glycine, which is neutral and non-polar, with cysteine, which is neutral and slightly polar, at codon 28 of the BRAF protein (p.Gly28Cys).